The following is an entry in ClinVar:

NM_018389.5(SLC35C1):c.969G>C (p.Trp323Cys)

Gene: SLC35C1 (solute carrier family 35 member C1; plus strand). Cytogenetic location: 11p11.2.
Variant type: single nucleotide variant.
Coding change: c.969G>C on transcript NM_018389.5 (MANE Select); coding-DNA position 969, G replaced by C.
Protein change: p.Trp323Cys; replaces tryptophan 323 with cysteine.
Molecular consequence: missense variant.
Genome position (GRCh38, 1-based): chr11:45,811,209, G>C. VCF-style: chr11-45811209-G-C. GRCh37 (hg19) VCF-style: chr11-45832760-G-C.
Other names: c.930G>C, p.Trp310Cys (NM_001145265.2, NM_001145266.2); short protein forms W310C, W323C.
Identifiers: ClinVar variation 1028109 (VCV001028109.10), dbSNP rs2085942265, ClinGen allele CA380206993.

ClinVar aggregate classification (germline): Uncertain significance. Review status: criteria provided, multiple submitters, no conflicts (2 of 4 stars). 2 submissions from 2 submitters: Uncertain significance (2). Last evaluated 2023-10-03.

Conditions:
Leukocyte adhesion deficiency type II. Also called: CONGENITAL DISORDER OF GLYCOSYLATION, TYPE IIc; Congenital disorder of glycosylation type 2C; CDG 2C; Leukocyte adhesion deficiency type 2; Rambam Hasharon syndrome; CDG IIc. Identifiers: Orphanet 2968, Orphanet 99843, MedGen C0398739, MONDO:0009953, OMIM 266265.

Allele frequency attached by ClinVar (database versions not stated): gnomAD exomes below 0.00001; TOPMed below 0.00001.
gnomAD v4.1: 1 of 1,609,852 alleles (0.000062%); highest among the groups gnomAD compares: Admixed American, 0.0017%; no homozygotes.

Submissions (2):

Labcorp Genetics (formerly Invitae), Labcorp
Classification: Uncertain significance for Leukocyte adhesion deficiency type II. Last evaluated: 2023-10-03. Review status: criteria provided, single submitter. Criteria: Invitae Variant Classification Sherloc (09022015). Collection method: clinical testing. Allele origin: germline.
Comment: This sequence change replaces tryptophan, which is neutral and slightly polar, with cysteine, which is neutral and slightly polar, at codon 323 of the SLC35C1 protein (p.Trp323Cys). This variant is not present in population databases (gnomAD no frequency). This variant has not been reported in the literature in individuals affected with SLC35C1-related conditions. ClinVar contains an entry for this variant (Variation ID: 1028109). Advanced modeling of protein sequence and biophysical properties (such as structural, functional, and spatial information, amino acid conservation, physicochemical variation, residue mobility, and thermodynamic stability) performed at Invitae indicates that this missense variant is expected to disrupt SLC35C1 protein function. In summary, the available evidence is currently insufficient to determine the role of this variant in disease. Therefore, it has been classified as a Variant of Uncertain Significance.

Baylor Genetics
Classification: Uncertain significance for Leukocyte adhesion deficiency type II. Last evaluated: 2019-01-15. Review status: criteria provided, single submitter. Criteria: ACMG Guidelines, 2015. Collection method: clinical testing. Allele origin: paternal. Affected: yes.
Comment: This variant was determined to be of uncertain significance according to ACMG Guidelines, 2015 [PMID:25741868].